The following is an entry in ClinVar:

ClinVar aggregate classification (germline): Benign/Likely benign. Review status: criteria provided, multiple submitters, no conflicts (2 of 4 stars). 2 submissions from 2 submitters: Benign (1); Likely benign (1). Last evaluated 2025-03-10.

Conditions:
Familial cancer of breast. Also called: hereditary breast carcinoma; Hereditary breast cancer; BREAST CANCER, FAMILIAL. Identifiers: Orphanet 227535, MedGen C0346153, MONDO:0016419, OMIM 114480. Disease mechanism: loss of function.
Hereditary cancer-predisposing syndrome. Also called: Neoplastic Syndromes, Hereditary; Tumor predisposition; Hereditary Cancer Syndrome; Hereditary neoplastic syndrome. Identifiers: Orphanet 140162, MedGen C0027672, MeSH D009386, MONDO:0015356.

Submissions (2):

Ambry Genetics
Classification: Likely benign for Hereditary cancer-predisposing syndrome. Last evaluated: 2025-03-10. Review status: criteria provided, single submitter. Criteria: Ambry Variant Classification Scheme 2023. Collection method: clinical testing. Allele origin: germline.

Myriad Genetics, Inc.
Classification: Benign for Familial cancer of breast. Last evaluated: 2024-07-29. Review status: criteria provided, single submitter. Criteria: Myriad Autosomal Dominant, Autosomal Recessive and X-Linked Classification Criteria (2023). Collection method: clinical testing. Allele origin: unknown.
Comment: This variant is considered benign. This variant is a silent/synonymous amino acid change and it is not expected to impact splicing.

NM_000465.4(BARD1):c.2109C>G (p.Leu703=)

Gene: BARD1 (BRCA1 associated RING domain 1; minus strand). Cytogenetic location: 2q35.
Variant type: single nucleotide variant.
Coding change: c.2109C>G on transcript NM_000465.4 (MANE Select); coding-DNA position 2109, C replaced by G.
Protein change: p.Leu703=; no amino-acid change (leucine 703 retained).
Molecular consequence: synonymous variant. On other transcripts: non-coding transcript variant (3).
Genome position (GRCh38, 1-based): chr2:214,728,901, G>C on the plus strand (C>G on the coding strand, the complement: BARD1 is on the minus strand). VCF-style: chr2-214728901-G-C. GRCh37 (hg19) VCF-style: chr2-215593625-G-C.
Other names: c.2052C>G, p.Leu684= (NM_001282543.2); c.756C>G, p.Leu252= (NM_001282545.2); c.699C>G, p.Leu233= (NM_001282548.2); c.570C>G, p.Leu190= (NM_001282549.2); c.2109C>G (NM_000465.2).
Identifiers: ClinVar variation 3378998 (VCV003378998.2).